The following is an entry in ClinVar:

NM_004360.5(CDH1):c.1735G>T (p.Gly579Trp)

Gene: CDH1 (cadherin 1; plus strand). Cytogenetic location: 16q22.1.
Variant type: single nucleotide variant.
Coding change: c.1735G>T on transcript NM_004360.5 (MANE Select); coding-DNA position 1735, G replaced by T.
Protein change: p.Gly579Trp; replaces glycine 579 with tryptophan.
Molecular consequence: missense variant. On other transcripts: 5 prime UTR variant (1).
Genome position (GRCh38, 1-based): chr16:68,822,024, G>T. VCF-style: chr16-68822024-G-T. GRCh37 (hg19) VCF-style: chr16-68855927-G-T.
Other names: c.-231G>T (NM_001317186.2); c.1552G>T, p.Gly518Trp (NM_001317184.2); c.187G>T, p.Gly63Trp (NM_001317185.2); short protein forms G518W, G63W, G579W.
Identifiers: ClinVar variation 5034015 (VCV005034015.1).

ClinVar aggregate classification (germline): Uncertain significance (1 of 4 stars; one submission).

Conditions:
Hereditary cancer-predisposing syndrome. Also called: Neoplastic Syndromes, Hereditary; Tumor predisposition; Hereditary neoplastic syndrome; Hereditary Cancer Syndrome. Identifiers: Orphanet 140162, MedGen C0027672, MeSH D009386, MONDO:0015356.

Submission:

Ambry Genetics
Classification: Uncertain significance for Hereditary cancer-predisposing syndrome. Last evaluated: 2026-08-12. Review status: criteria provided, single submitter. Criteria: Ambry Variant Classification Scheme 2023. Collection method: clinical testing. Allele origin: germline.
Comment: The p.G579W variant (also known as c.1735G>T), located in coding exon 12 of the CDH1 gene, results from a G to T substitution at nucleotide position 1735. The glycine at codon 579 is replaced by tryptophan, an amino acid with highly dissimilar properties. This amino acid position is conserved. In addition, this alteration is predicted to be deleterious by in silico analysis. Based on the available evidence, the clinical significance of this variant remains unclear.